The following is an entry in ClinVar:

ClinVar aggregate classification (germline): Likely benign (0 of 4 stars; one submission).

Conditions:
CEP290-related disorder. Also called: CEP290-related condition; CEP290-related disorders. Identifiers: MedGen CN239314.

Submission:

PreventionGenetics, part of Exact Sciences
Classification: Likely benign for CEP290-related condition. Last evaluated: 2023-07-18. Review status: no assertion criteria provided. Collection method: clinical testing. Allele origin: germline.
Comment: This variant is classified as likely benign based on ACMG/AMP sequence variant interpretation guidelines (Richards et al. 2015 PMID: 25741868, with internal and published modifications).

NM_025114.4(CEP290):c.2248T>C (p.Leu750=)

Gene: CEP290 (centrosomal protein 290; minus strand). Cytogenetic location: 12q21.32.
Variant type: single nucleotide variant.
Coding change: c.2248T>C on transcript NM_025114.4 (MANE Select); coding-DNA position 2248, T replaced by C.
Protein change: p.Leu750=; no amino-acid change (leucine 750 retained).
Molecular consequence: synonymous variant.
Genome position (GRCh38, 1-based): chr12:88,111,321, A>G on the plus strand (T>C on the coding strand, the complement: CEP290 is on the minus strand). VCF-style: chr12-88111321-A-G. GRCh37 (hg19) VCF-style: chr12-88505098-A-G.
Identifiers: ClinVar variation 3356288 (VCV003356288.1).